The following is an entry in ClinVar:

ClinVar aggregate classification (germline): Pathogenic (1 of 4 stars; one submission).

Conditions:
Imerslund-Grasbeck syndrome. Also called: Imerslund-Gräsbeck syndrome; Megaloblastic anemia due to inborn errors of metabolism; ENTEROCYTE COBALAMIN MALABSORPTION; ENTEROCYTE INTRINSIC FACTOR RECEPTOR, DEFECT OF; PERNICIOUS ANEMIA, JUVENILE, DUE TO SELECTIVE INTESTINAL MALABSORPTION OF VITAMIN B12, WITH PROTEINURIA. Identifiers: Orphanet 35858, MedGen C4551825, MONDO:0009853.

Submission:

Labcorp Genetics (formerly Invitae), Labcorp
Classification: Pathogenic for Imerslund-Grasbeck syndrome. Last evaluated: 2025-06-12. Review status: criteria provided, single submitter. Criteria: Invitae Variant Classification Sherloc (09022015). Collection method: clinical testing. Allele origin: germline.
Comment: This sequence change creates a premature translational stop signal (p.Gly3520Leufs*39) in the CUBN gene. It is expected to result in an absent or disrupted protein product. Loss-of-function variants in CUBN are known to be pathogenic (PMID: 15024727, 22929189, 25349199, 31613795, 34979989). This variant is not present in population databases (gnomAD no frequency). This variant has not been reported in the literature in individuals affected with CUBN-related conditions. For these reasons, this variant has been classified as Pathogenic.

Literature cited by the submitters: PubMed 15024727; PubMed 22929189; PubMed 25349199; PubMed 31613795; PubMed 34979989.

NM_001081.4(CUBN):c.10557_10558del (p.Gly3520fs)

Gene: CUBN (cubilin; minus strand). Cytogenetic location: 10p13.
Variant type: Microsatellite.
Coding change: c.10557_10558del on transcript NM_001081.4 (MANE Select); coding-DNA positions 10557 to 10558, 2 bases deleted (AG; older notation c.10557_10558delAG).
Protein change: p.Gly3520fs; shifts the reading frame from glycine 3520.
Molecular consequence: frameshift variant.
Genome position (GRCh38, 1-based): chr10:16,829,011-16,829,012, CT deleted on the plus strand (AG on the coding strand, the reverse complement: CUBN is on the minus strand); deleting any 2 consecutive bases within chr10:16,829,011-16,829,014 gives the same sequence; the c. name uses the placement nearest the transcript's 3' end. VCF-style (leftmost placement, unchanged base first): chr10-16829010-CCT-C. GRCh37 (hg19) VCF-style: chr10-16871009-CCT-C.
Other names: short protein forms G3520fs.
Identifiers: ClinVar variation 2193032 (VCV002193032.4), dbSNP rs2491116289, ClinGen allele CA2580615758.